The following is an entry in ClinVar:

ClinVar aggregate classification (germline): Benign (0 of 4 stars; one submission).

Conditions:
MEG3-related disorder. Also called: MEG3-related condition.

Allele frequency attached by ClinVar (database versions not stated): 1000 Genomes Project 30x 0.22564; 1000 Genomes Project 0.23343; TOPMed 0.25325; gnomAD 0.26146; gnomAD exomes 0.36232.
gnomAD v4.1: 39,929 of 152,142 alleles (26%); highest among the groups gnomAD compares: Non-Finnish European, 33%; 6,048 homozygotes.

Submission:

PreventionGenetics, part of Exact Sciences
Classification: Benign for MEG3-related condition. Last evaluated: 2019-07-03. Review status: no assertion criteria provided. Collection method: clinical testing. Allele origin: germline.
Comment: This variant is classified as benign based on ACMG/AMP sequence variant interpretation guidelines (Richards et al. 2015 PMID: 25741868, with internal and published modifications).

NR_046473.1(MEG3):n.6838G>A

Gene: MEG3 (maternally expressed 3; plus strand). Cytogenetic location: 14q32.2.
Variant type: single nucleotide variant.
Molecular consequence: non-coding transcript variant (on NR_046473.1).
Genome position: GRCh38 VCF-style: chr14-100851454-G-A. GRCh37 (hg19) VCF-style: chr14-101317791-G-A.
Identifiers: ClinVar variation 3060854 (VCV003060854.2), dbSNP rs3783357, ClinGen allele CA13971814.
Genomic context (GRCh38, chr14:100,851,454, plus strand): 5'-GGTGTGGCACCTACTCACATCCAGGGGTTGGTGCAGGGAAAGGCCAGAAGGTGGCCAGGC[G>A]CACCTGAGAAGGGGGACCCAGAAGCCCCGGGACCCAGGAGCCCTGGGCAAGCCACCAGAA-3'